The following is an entry in ClinVar:

ClinVar aggregate classification (germline): Uncertain significance (1 of 4 stars; one submission).

Conditions:
Frontotemporal dementia and/or amyotrophic lateral sclerosis 1 (FTDALS1). Also called: Frontotemporal dementia with motor neuron disease 1; C9orf72 Frontotemporal Dementia and/or Amyotrophic Lateral Sclerosis. Identifiers: Orphanet 275872, MedGen C5779877, MONDO:0007105, OMIM 105550.
Paget disease of bone 2, early-onset (PDB2). Also called: Paget disease of bone 2. Identifiers: MedGen C4085251, MONDO:0011183, OMIM 602080.

Submission:

Labcorp Genetics (formerly Invitae), Labcorp
Classification: Uncertain significance for Paget disease of bone 2, early-onset; Frontotemporal dementia and/or amyotrophic lateral sclerosis 1. Last evaluated: 2024-03-26. Review status: criteria provided, single submitter. Criteria: Invitae Variant Classification Sherloc (09022015). Collection method: clinical testing. Allele origin: germline.
Comment: This sequence change replaces proline, which is neutral and non-polar, with glutamine, which is neutral and polar, at codon 387 of the SQSTM1 protein (p.Pro387Gln). This variant is not present in population databases (gnomAD no frequency). This variant has not been reported in the literature in individuals affected with SQSTM1-related conditions. Advanced modeling of protein sequence and biophysical properties (such as structural, functional, and spatial information, amino acid conservation, physicochemical variation, residue mobility, and thermodynamic stability) has been performed at Invitae for this missense variant, however the output from this modeling did not meet the statistical confidence thresholds required to predict the impact of this variant on SQSTM1 protein function. In summary, the available evidence is currently insufficient to determine the role of this variant in disease. Therefore, it has been classified as a Variant of Uncertain Significance.

NM_003900.5(SQSTM1):c.1160C>A (p.Pro387Gln)

Gene: SQSTM1 (sequestosome 1; plus strand). Cytogenetic location: 5q35.3.
Variant type: single nucleotide variant.
Coding change: c.1160C>A on transcript NM_003900.5 (MANE Select); coding-DNA position 1160, C replaced by A.
Protein change: p.Pro387Gln; replaces proline 387 with glutamine.
Molecular consequence: missense variant.
Genome position (GRCh38, 1-based): chr5:179,833,777, C>A. VCF-style: chr5-179833777-C-A. GRCh37 (hg19) VCF-style: chr5-179260777-C-A.
Other names: c.908C>A, p.Pro303Gln (NM_001142298.2, NM_001142299.2); short protein forms P303Q, P387Q.
Identifiers: ClinVar variation 3755529 (VCV003755529.2).